The following is an entry in ClinVar:

ClinVar aggregate classification (germline): Uncertain significance (1 of 4 stars; one submission).

Conditions:
Neurofibromatosis, type 1 (NF1). Also called: VON RECKLINGHAUSEN DISEASE; Neurofibromatosis, type I; NEUROFIBROMATOSIS, TYPE I, SOMATIC; Peripheral type neurofibromatosis. Identifiers: Orphanet 636, MedGen C0027831, MONDO:0018975, OMIM 162200. Disease mechanism: loss of function.

Submission:

Labcorp Genetics (formerly Invitae), Labcorp
Classification: Uncertain significance for Neurofibromatosis, type 1. Last evaluated: 2020-09-13. Review status: criteria provided, single submitter. Criteria: Invitae Variant Classification Sherloc (09022015). Collection method: clinical testing. Allele origin: germline.
Comment: In summary, the available evidence is currently insufficient to determine the role of this variant in disease. Therefore, it has been classified as a Variant of Uncertain Significance. Advanced modeling of protein sequence and biophysical properties (such as structural, functional, and spatial information, amino acid conservation, physicochemical variation, residue mobility, and thermodynamic stability) performed at Invitae indicates that this missense variant is expected to disrupt NF1 protein function. This variant has not been reported in the literature in individuals with NF1-related conditions. This variant is not present in population databases (ExAC no frequency). This sequence change replaces serine with arginine at codon 2266 of the NF1 protein (p.Ser2266Arg). The serine residue is moderately conserved and there is a moderate physicochemical difference between serine and arginine.

NM_001042492.3(NF1):c.6861T>G (p.Ser2287Arg)

Gene: NF1 (neurofibromin 1; plus strand). Cytogenetic location: 17q11.2.
Variant type: single nucleotide variant.
Coding change: c.6861T>G on transcript NM_001042492.3 (MANE Select); coding-DNA position 6861, T replaced by G.
Protein change: p.Ser2287Arg; replaces serine 2287 with arginine.
Molecular consequence: missense variant.
Genome position (GRCh38, 1-based): chr17:31,338,745, T>G. VCF-style: chr17-31338745-T-G. GRCh37 (hg19) VCF-style: chr17-29665763-T-G.
Other names: c.6798T>G, p.Ser2266Arg (NM_000267.4); short protein forms S2266R, S2287R.
Identifiers: ClinVar variation 1009231 (VCV001009231.5), dbSNP rs2069744324, ClinGen allele CA399014332.